The following is an entry in ClinVar:

NM_004725.4(BUB3):c.344G>T (p.Ser115Ile)

Gene: BUB3 (BUB3 mitotic checkpoint protein; plus strand). Cytogenetic location: 10q26.13.
Variant type: single nucleotide variant.
Coding change: c.344G>T on transcript NM_004725.4 (MANE Select); coding-DNA position 344, G replaced by T.
Protein change: p.Ser115Ile; replaces serine 115 with isoleucine.
Molecular consequence: missense variant.
Genome position (GRCh38, 1-based): chr10:123,157,807, G>T. VCF-style: chr10-123157807-G-T. GRCh37 (hg19) VCF-style: chr10-124917323-G-T.
Other names: c.344G>T, p.Ser115Ile (NM_001007793.3); short protein forms S115I.
Identifiers: ClinVar variation 1731550 (VCV001731550.2), dbSNP rs2493759912, ClinGen allele CA378625501.
Genomic context (GRCh38, chr10:123,157,807, plus strand): 5'-ATGATGCCCCTATCAGATGTGTTGAATACTGTCCAGAAGTGAATGTGATGGTCACTGGAA[G>T]TTGGGATCAGACAGTTAAACTGTGGGATCCCAGAACTCCTTGTAATGCTGGGACCTTCTC-3'
Protein context (NP_004716.1, residues 105-125): CPEVNVMVTG[Ser115Ile]WDQTVKLWDP

ClinVar aggregate classification (germline): Uncertain significance (1 of 4 stars; one submission).

Submission:

Ambry Genetics
Classification: Uncertain significance. Last evaluated: 2021-08-11. Review status: criteria provided, single submitter. Criteria: Ambry Variant Classification Scheme 2023. Collection method: clinical testing. Allele origin: germline.
Comment: The p.S115I variant (also known as c.344G>T), located in coding exon 3 of the BUB3 gene, results from a G to T substitution at nucleotide position 344. The serine at codon 115 is replaced by isoleucine, an amino acid with dissimilar properties. This amino acid position is conserved. In addition, this alteration is predicted to be deleterious by in silico analysis. Since supporting evidence is limited at this time, the clinical significance of this alteration remains unclear.